The following is an entry in ClinVar:

ClinVar aggregate classification (germline): Uncertain significance (1 of 4 stars; one submission).

Submission:

Labcorp Genetics (formerly Invitae), Labcorp
Classification: Uncertain significance. Last evaluated: 2023-05-29. Review status: criteria provided, single submitter. Criteria: Invitae Variant Classification Sherloc (09022015). Collection method: clinical testing. Allele origin: germline.
Comment: Advanced modeling of protein sequence and biophysical properties (such as structural, functional, and spatial information, amino acid conservation, physicochemical variation, residue mobility, and thermodynamic stability) performed at Invitae indicates that this missense variant is not expected to disrupt POLE protein function. In summary, the available evidence is currently insufficient to determine the role of this variant in disease. Therefore, it has been classified as a Variant of Uncertain Significance. This variant has not been reported in the literature in individuals affected with POLE-related conditions. This variant is not present in population databases (gnomAD no frequency). This sequence change replaces alanine, which is neutral and non-polar, with valine, which is neutral and non-polar, at codon 512 of the POLE protein (p.Ala512Val).

NM_006231.4(POLE):c.1535C>T (p.Ala512Val)

Gene: POLE (DNA polymerase epsilon, catalytic subunit; minus strand). Cytogenetic location: 12q24.33.
Variant type: single nucleotide variant.
Coding change: c.1535C>T on transcript NM_006231.4 (MANE Select); coding-DNA position 1535, C replaced by T.
Protein change: p.Ala512Val; replaces alanine 512 with valine.
Molecular consequence: missense variant.
Genome position (GRCh38, 1-based): chr12:132,672,778, G>A on the plus strand (C>T on the coding strand, the complement: POLE is on the minus strand). VCF-style: chr12-132672778-G-A. GRCh37 (hg19) VCF-style: chr12-133249364-G-A.
Other names: short protein forms A512V.
Identifiers: ClinVar variation 3019419 (VCV003019419.3), dbSNP rs2542135933, ClinGen allele CA387357305.